The following is an entry in ClinVar:

ClinVar aggregate classification (germline): Benign (1 of 4 stars; one submission).

Allele frequency attached by ClinVar (database versions not stated): 1000 Genomes Project 30x 0.67161; gnomAD exomes 0.74682; TOPMed 0.62278; 1000 Genomes Project 0.68990.

Submission:

GeneDx
Classification: Benign. Last evaluated: 2018-06-14. Review status: criteria provided, single submitter. Criteria: GeneDx Variant Classification (06012015). Collection method: clinical testing. Allele origin: germline. Affected: yes.
Comment: This variant is considered likely benign or benign based on one or more of the following criteria: it is a conservative change, it occurs at a poorly conserved position in the protein, it is predicted to be benign by multiple in silico algorithms, and/or has population frequency not consistent with disease.

NM_016098.3(MPC1):c.-468G>C

Genes: MPC1 (mitochondrial pyruvate carrier 1; minus strand), MPC1-DT (MPC1 divergent transcript; plus strand), LOC129997661 (ATAC-STARR-seq lymphoblastoid silent region 17777; plus strand). Cytogenetic location: 6q27.
Variant type: single nucleotide variant.
Coding change: c.-468G>C on transcript NM_016098.3; 468 bases upstream of the start codon, G replaced by C.
Molecular consequence: non-coding transcript variant (on NR_189630.1).
Genome position (GRCh38, 1-based): chr6:166,383,344, C>G on the plus strand (G>C on the coding strand, the complement: MPC1 is on the minus strand). VCF-style: chr6-166383344-C-G. GRCh37 (hg19) VCF-style: chr6-166796832-C-G.
Identifiers: ClinVar variation 682624 (VCV000682624.3), dbSNP rs9295338, ClinGen allele CA12257326.